The following is an entry in ClinVar:

ClinVar aggregate classification (germline): Benign. Review status: criteria provided, single submitter (1 of 4 stars). 2 submissions from 2 submitters: Benign (1). 1 of the submissions does not count toward it. Last evaluated 2022-07-01.

Conditions:
DPP6-related disorder. Also called: DPP6-related condition.

Allele frequency attached by ClinVar (database versions not stated): 1000 Genomes Project 30x 0.00172; 1000 Genomes Project 0.00180; gnomAD 0.00274; ESP Exome Variant Server 0.00328; TOPMed 0.00329.
gnomAD v4.1: 827 of 1,609,874 alleles (0.051%); highest among the groups gnomAD compares: African/African-American, 0.98%; 2 homozygotes.

Submissions (2):

CeGaT Center for Human Genetics Tuebingen
Classification: Benign. Last evaluated: 2022-07-01. Review status: criteria provided, single submitter. Criteria: CeGaT Center For Human Genetics Tuebingen Variant Classification Criteria Version 2. Collection method: clinical testing. Allele origin: germline. Affected: yes. Observed: 1 variant allele.
Comment: DPP6: BS1, BS2

PreventionGenetics, part of Exact Sciences
Classification: Benign for DPP6-related condition. Last evaluated: 2019-06-03. Review status: no assertion criteria provided. Collection method: clinical testing. Allele origin: germline. Not counted in ClinVar's aggregate classification.
Comment: This variant is classified as benign based on ACMG/AMP sequence variant interpretation guidelines (Richards et al. 2015 PMID: 25741868, with internal and published modifications).

NM_130797.4(DPP6):c.1015G>T (p.Val339Leu)

Gene: DPP6 (dipeptidyl peptidase like 6; plus strand). Cytogenetic location: 7q36.2.
Variant type: single nucleotide variant.
Coding change: c.1015G>T on transcript NM_130797.4 (MANE Select); coding-DNA position 1015, G replaced by T.
Protein change: p.Val339Leu; replaces valine 339 with leucine.
Molecular consequence: missense variant. On other transcripts: non-coding transcript variant (2).
Genome position (GRCh38, 1-based): chr7:154,769,548, G>T. VCF-style: chr7-154769548-G-T. GRCh37 (hg19) VCF-style: chr7-154561258-G-T.
Other names: c.823G>T, p.Val275Leu (NM_001039350.3, NM_001364501.2); c.694G>T, p.Val232Leu (NM_001290252.2); c.832G>T, p.Val278Leu (NM_001364497.2, NM_001364498.2, NM_001364499.2 and 1 more transcripts); c.829G>T, p.Val277Leu (NM_001936.5); c.829G>T (NM_001936.4); short protein forms V232L, V275L, V277L, V278L, V339L.
Identifiers: ClinVar variation 2658263 (VCV002658263.25), dbSNP rs144100618, ClinGen allele CA4583369.